The following is an entry in ClinVar:

ClinVar aggregate classification (germline): Uncertain significance (1 of 4 stars; one submission).

Allele frequency attached by ClinVar (database versions not stated): gnomAD 0.00005; TOPMed 0.00006; ExAC 0.00007; ESP Exome Variant Server 0.00008; gnomAD exomes 0.00017.

Submission:

Labcorp Genetics (formerly Invitae), Labcorp
Classification: Uncertain significance. Last evaluated: 2022-03-28. Review status: criteria provided, single submitter. Criteria: Invitae Variant Classification Sherloc (09022015). Collection method: clinical testing. Allele origin: germline.
Comment: This sequence change creates a premature translational stop signal (p.Asp194Glyfs*78) in the SARS2 gene. It is expected to result in an absent or disrupted protein product. However, the current clinical and genetic evidence is not sufficient to establish whether loss-of-function variants in SARS2 cause disease. This variant is present in population databases (rs781334302, gnomAD 0.01%). This variant has not been reported in the literature in individuals affected with SARS2-related conditions. In summary, the available evidence is currently insufficient to determine the role of this variant in disease. Therefore, it has been classified as a Variant of Uncertain Significance.

NM_017827.4(SARS2):c.577_580dup (p.Asp194fs)

Gene: SARS2 (seryl-tRNA synthetase 2, mitochondrial; minus strand). Cytogenetic location: 19q13.2.
Variant type: Duplication.
Coding change: c.577_580dup on transcript NM_017827.4 (MANE Select); coding-DNA positions 577 to 580, 4 bases duplicated (GGAG; older notation c.577_580dupGGAG).
Protein change: p.Asp194fs; shifts the reading frame from aspartic acid 194.
Molecular consequence: frameshift variant.
Genome position (GRCh38, 1-based): chr19:38,921,401-38,921,404, CTCC duplicated on the plus strand (GGAG on the coding strand, the reverse complement: SARS2 is on the minus strand). VCF-style (leftmost placement, unchanged base first): chr19-38921400-T-TCTCC. GRCh37 (hg19) VCF-style: chr19-39412040-T-TCTCC.
Other names: c.583_586dup, p.Asp196fs (NM_001145901.2); short protein forms D196fs, D194fs.
Identifiers: ClinVar variation 2160144 (VCV002160144.2), dbSNP rs781334302, ClinGen allele CA9423128.
Genomic context (GRCh38, chr19:38,921,400, plus strand): 5'-GAACCCCCACACCGCAGGGCTTGTCAGCTCCCAGGCCTGGGGTGTGGCCCACCTGGCTTG[T>TCTCC]CTCCGACCATGTGGAGCACTCGAGCCTGGCTCTCATCCCCGACGGGCTGCAGGGAGACAG-3'